The following is an entry in ClinVar:

NM_000384.3(APOB):c.3273A>T (p.Arg1091Ser)

Gene: APOB (apolipoprotein B; minus strand). Cytogenetic location: 2p24.1.
Variant type: single nucleotide variant.
Coding change: c.3273A>T on transcript NM_000384.3 (MANE Select); coding-DNA position 3273, A replaced by T.
Protein change: p.Arg1091Ser; replaces arginine 1091 with serine.
Molecular consequence: missense variant.
Genome position (GRCh38, 1-based): chr2:21,016,498, T>A on the plus strand (A>T on the coding strand, the complement: APOB is on the minus strand). VCF-style: chr2-21016498-T-A. GRCh37 (hg19) VCF-style: chr2-21239370-T-A.
Other names: short protein forms R1091S.
Identifiers: ClinVar variation 922326 (VCV000922326.7), dbSNP rs1663466699, ClinGen allele CA346009450.

ClinVar aggregate classification (germline): Uncertain significance. Review status: criteria provided, multiple submitters, no conflicts (2 of 4 stars). 2 submissions from 2 submitters: Uncertain significance (2). Last evaluated 2026-07-01.

Conditions:
Cardiovascular phenotype. Identifiers: MedGen CN230736.

Allele frequency attached by ClinVar (database versions not stated): TOPMed 0.00001.
gnomAD v4.1: 2 of 1,611,778 alleles (0.00012%); highest among the groups gnomAD compares: Non-Finnish European, 0.00017%; no homozygotes.

Submissions (2):

Ambry Genetics
Classification: Uncertain significance for Cardiovascular phenotype. Last evaluated: 2026-07-01. Review status: criteria provided, single submitter. Criteria: Ambry Variant Classification Scheme 2023. Collection method: clinical testing. Allele origin: germline.
Comment: The p.R1091S variant (also known as c.3273A>T), located in coding exon 21 of the APOB gene, results from an A to T substitution at nucleotide position 3273. The arginine at codon 1091 is replaced by serine, an amino acid with dissimilar properties. This amino acid position is conserved. In addition, this alteration is predicted to be tolerated by in silico analysis. Based on the available evidence, the clinical significance of this variant remains unclear.

Quest Diagnostics Nichols Institute San Juan Capistrano
Classification: Uncertain significance. Last evaluated: 2025-05-13. Review status: criteria provided, single submitter. Criteria: Quest Diagnostics criteria. Collection method: clinical testing. Allele origin: unknown.
Comment: The APOB c.3273A>T (p.Arg1091Ser) variant has not been reported in individuals with APOB-related conditions in the published literature. It also has not been reported in large, multi-ethnic general populations (Genome Aggregation Database). Analysis of this variant using bioinformatics tools for the prediction of the effect of amino acid changes on protein structure and function yielded predictions that this variant is benign. Based on the available information, we are unable to determine the clinical significance of this variant.